The following is an entry in ClinVar:

NM_007129.5(ZIC2):c.259G>A (p.Gly87Ser)

Gene: ZIC2 (Zic family zinc finger 2; plus strand). Cytogenetic location: 13q32.3.
Variant type: single nucleotide variant.
Coding change: c.259G>A on transcript NM_007129.5 (MANE Select); coding-DNA position 259, G replaced by A.
Protein change: p.Gly87Ser; replaces glycine 87 with serine.
Molecular consequence: missense variant.
Genome position (GRCh38, 1-based): chr13:99,982,323, G>A. VCF-style: chr13-99982323-G-A. GRCh37 (hg19) VCF-style: chr13-100634577-G-A.
Other names: short protein forms G87S.
Identifiers: ClinVar variation 3650872 (VCV003650872.2).

ClinVar aggregate classification (germline): Uncertain significance (1 of 4 stars; one submission).

Conditions:
Holoprosencephaly 5 (HPE5). Identifiers: Orphanet 2162, MedGen C1864827, MONDO:0012322, OMIM 609637.

Submission:

Labcorp Genetics (formerly Invitae), Labcorp
Classification: Uncertain significance for Holoprosencephaly 5. Last evaluated: 2025-07-30. Review status: criteria provided, single submitter. Criteria: Invitae Variant Classification Sherloc (09022015). Collection method: clinical testing. Allele origin: germline.
Comment: This sequence change replaces glycine, which is neutral and non-polar, with serine, which is neutral and polar, at codon 87 of the ZIC2 protein (p.Gly87Ser). This variant is not present in population databases (gnomAD no frequency). This variant has not been reported in the literature in individuals affected with ZIC2-related conditions. ClinVar contains an entry for this variant (Variation ID: 3650872). Experimental studies and prediction algorithms are not available or were not evaluated, and the functional significance of this variant is currently unknown. In summary, the available evidence is currently insufficient to determine the role of this variant in disease. Therefore, it has been classified as a Variant of Uncertain Significance.